The following is an entry in ClinVar:

NM_001371928.1(AHDC1):c.3614T>C (p.Met1205Thr)

Gene: AHDC1 (AT-hook DNA binding motif containing 1; minus strand). Cytogenetic location: 1p36.11.
Variant type: single nucleotide variant.
Coding change: c.3614T>C on transcript NM_001371928.1 (MANE Select); coding-DNA position 3614, T replaced by C.
Protein change: p.Met1205Thr; replaces methionine 1205 with threonine.
Molecular consequence: missense variant.
Genome position (GRCh38, 1-based): chr1:27,548,502, A>G on the plus strand (T>C on the coding strand, the complement: AHDC1 is on the minus strand). VCF-style: chr1-27548502-A-G. GRCh37 (hg19) VCF-style: chr1-27875013-A-G.
Other names: c.3614T>C, p.Met1205Thr (NM_001029882.3); short protein forms M1205T.
Identifiers: ClinVar variation 3765699 (VCV003765699.1).

ClinVar aggregate classification (germline): Uncertain significance (1 of 4 stars; one submission).

Submission:

Greenwood Genetic Center Diagnostic Laboratories, Greenwood Genetic Center
Classification: Uncertain significance. Last evaluated: 2024-10-08. Review status: criteria provided, single submitter. Criteria: ACMG Guidelines, 2015. Collection method: clinical testing. Allele origin: germline. Affected: yes.
Comment: PM2, BP1, PP3